The following is an entry in ClinVar:

ClinVar aggregate classification (germline): Likely benign (1 of 4 stars; one submission).

Submission:

CeGaT Center for Human Genetics Tuebingen
Classification: Likely benign. Last evaluated: 2026-04-01. Review status: criteria provided, single submitter. Criteria: CeGaT Center For Human Genetics Tuebingen Variant Classification Criteria Version 2. Collection method: clinical testing. Allele origin: germline. Affected: yes. Observed: 5 variant alleles.
Comment: G6PD: BS1

NC_000023.11:g.154518341C>T

Gene: G6PD (glucose-6-phosphate dehydrogenase; minus strand). Cytogenetic location: Xq28.
Variant type: single nucleotide variant.
Genome position: GRCh38 VCF-style: chrX-154518341-C-T. GRCh37 (hg19) VCF-style: chrX-153746665-C-T.
Identifiers: ClinVar variation 3771853 (VCV003771853.13).